The following is an entry in ClinVar:

NM_003791.4(MBTPS1):c.757G>A (p.Val253Met)

Gene: MBTPS1 (membrane bound transcription factor peptidase, site 1; minus strand). Cytogenetic location: 16q23.3.
Variant type: single nucleotide variant.
Coding change: c.757G>A on transcript NM_003791.4 (MANE Select); coding-DNA position 757, G replaced by A.
Protein change: p.Val253Met; replaces valine 253 with methionine.
Molecular consequence: missense variant.
Genome position (GRCh38, 1-based): chr16:84,093,277, C>T on the plus strand (G>A on the coding strand, the complement: MBTPS1 is on the minus strand). VCF-style: chr16-84093277-C-T. GRCh37 (hg19) VCF-style: chr16-84126882-C-T.
Other names: short protein forms V253M.
Identifiers: ClinVar variation 2427899 (VCV002427899.2), dbSNP rs754067434, ClinGen allele CA8201640.

ClinVar aggregate classification (germline): Uncertain significance (1 of 4 stars; one submission).

Allele frequency attached by ClinVar (database versions not stated): ExAC 0.00001; gnomAD 0.00001; gnomAD exomes 0.00001; TOPMed 0.00002.
gnomAD v4.1: 19 of 1,613,282 alleles (0.0012%); highest among the groups gnomAD compares: Admixed American, 0.0033%; no homozygotes.

Submission:

Labcorp Genetics (formerly Invitae), Labcorp
Classification: Uncertain significance. Last evaluated: 2022-02-25. Review status: criteria provided, single submitter. Criteria: Invitae Variant Classification Sherloc (09022015). Collection method: clinical testing. Allele origin: germline.
Comment: This sequence change replaces valine, which is neutral and non-polar, with methionine, which is neutral and non-polar, at codon 253 of the MBTPS1 protein (p.Val253Met). This variant is present in population databases (rs754067434, gnomAD 0.003%). This variant has not been reported in the literature in individuals affected with MBTPS1-related conditions. Algorithms developed to predict the effect of missense changes on protein structure and function are either unavailable or do not agree on the potential impact of this missense change (SIFT: "Deleterious"; PolyPhen-2: "Probably Damaging"; Align-GVGD: "Class C0"). In summary, the available evidence is currently insufficient to determine the role of this variant in disease. Therefore, it has been classified as a Variant of Uncertain Significance.